The following is an entry in ClinVar:

ClinVar aggregate classification (germline): Conflicting classifications of pathogenicity. Review status: criteria provided, conflicting classifications (1 of 4 stars). 4 submissions from 4 submitters: Likely pathogenic (2); Uncertain significance (2). Last evaluated 2025-07-01.

Conditions:
Inborn genetic diseases. Identifiers: MedGen C0950123, MeSH D030342.

Allele frequency attached by ClinVar (database versions not stated): gnomAD exomes 0.00001; gnomAD 0.00002 and 0.00003; TOPMed 0.00002.
gnomAD v4.1: 25 of 1,612,730 alleles (0.0016%); highest among the groups gnomAD compares: East Asian, 0.0045%; no homozygotes.

Submissions (4):

GeneDx
Classification: Uncertain significance. Last evaluated: 2025-07-01. Review status: criteria provided, single submitter. Criteria: GeneDx Variant Classification Process June 2021. Collection method: clinical testing. Allele origin: germline. Affected: yes.
Comment: In silico analysis supports that this missense variant has a deleterious effect on protein structure/function; Has not been previously published as pathogenic or benign to our knowledge

Ambry Genetics
Classification: Likely pathogenic for Inborn genetic diseases. Last evaluated: 2024-04-03. Review status: criteria provided, single submitter. Criteria: Ambry Variant Classification Scheme 2023. Collection method: clinical testing. Allele origin: germline.
Comment: The c.1130C>T (p.A377V) alteration is located in exon 10 (coding exon 10) of the PMPCA gene. This alteration results from a C to T substitution at nucleotide position 1130, causing the alanine (A) at amino acid position 377 to be replaced by a valine (V). Based on data from gnomAD, the T allele has an overall frequency of 0.001% (3/282114) total alleles studied. The highest observed frequency was 0.005% (1/19950) of East Asian alleles. Another alteration at the same codon, c.1129G>A (p.A377T), has been reported in the homozygous state in multiple Lebanese individuals with cerebellar ataxia, intellectual disability, dysarthria, and abnormal deep tendon reflexes (Jobling, 2015). The c.1129G>A (p.A377T) alteration has also been identified in trans with another PMPCA alteration in two individuals from a large Lebanese family with a more severe mitochondrial disorder (Joshi, 2016). Analysis of lymphoblastoid cells and fibroblasts from patients homozygous for the c.1129G>A (p.A377T) alteration revealed that this alteration affects the level of alpha subunit encoded as well as the overall function of mitochondrial processing peptidase (Jobling, 2015). This amino acid position is highly conserved in available vertebrate species. The in silico prediction for this alteration is inconclusive. Based on the available evidence, this alteration is classified as likely pathogenic.

Labcorp Genetics (formerly Invitae), Labcorp
Classification: Uncertain significance. Last evaluated: 2024-03-21. Review status: criteria provided, single submitter. Criteria: Invitae Variant Classification Sherloc (09022015). Collection method: clinical testing. Allele origin: germline.
Comment: This sequence change replaces alanine, which is neutral and non-polar, with valine, which is neutral and non-polar, at codon 377 of the PMPCA protein (p.Ala377Val). This variant is present in population databases (no rsID available, gnomAD 0.005%). This variant has not been reported in the literature in individuals affected with PMPCA-related conditions. ClinVar contains an entry for this variant (Variation ID: 521567). Advanced modeling of protein sequence and biophysical properties (such as structural, functional, and spatial information, amino acid conservation, physicochemical variation, residue mobility, and thermodynamic stability) performed at Invitae indicates that this missense variant is not expected to disrupt PMPCA protein function with a negative predictive value of 80%. This variant disrupts the p.Ala377 amino acid residue in PMPCA. Other variant(s) that disrupt this residue have been determined to be pathogenic (PMID: 25808372, 27148589). This suggests that this residue is clinically significant, and that variants that disrupt this residue are likely to be disease-causing. In summary, the available evidence is currently insufficient to determine the role of this variant in disease. Therefore, it has been classified as a Variant of Uncertain Significance.

Genetic Services Laboratory, University of Chicago
Classification: Likely pathogenic. Last evaluated: 2023-04-12. Review status: criteria provided, single submitter. Criteria: ACMG Guidelines, 2015. Collection method: clinical testing. Allele origin: germline. Affected: yes.
Comment: DNA sequence analysis of the PMPCA gene demonstrated a sequence change, c.1130C>T, in exon 10 that results in an amino acid change, p.Ala377Val. The p.Ala377Val change affects a highly conserved amino acid residue located in a domain of the PMPCA protein that is known to be functional. In-silico pathogenicity prediction tools (SIFT, PolyPhen2, Align GVGD, REVEL) provide contradictory results for the p.Ala377Val substitution. This particular amino acid change does not appear to have been described in the literature in other individuals with PMPCA-related disorders, however, another laboratory has identified this variant in the homozygous state in an individual with global developmental delay, MRI findings of pontocerebellar hypoplasia, hypotonia, microcephaly, short stature, ataxia and autoimmune hepatitis (internal data). A different pathogenic sequence change affecting the same amino acid residue (c.1129G>A, p.Ala377Thr) has been described in the bi-allelic state in multiple individuals with PMPCA-related cerebellar ataxia (PMID: 27148589, 25808372). This sequence change has been described in the gnomAD database with a frequency of 0.001% in the overall population (dbSNP rs963172852). The p.Ala377Val amino acid change occurs in a region of the PMPCA gene where other missense sequence changes have been described in individuals with PMPCA-related disorders. These collective evidences indicate that this sequence change is likely pathogenic, however functional studies have not been performed to prove this conclusively.

Literature cited by the submitters: PubMed 25808372 (cited by Ambry Genetics and Labcorp Genetics (formerly Invitae), Labcorp); PubMed 27148589 (cited by Ambry Genetics and Labcorp Genetics (formerly Invitae), Labcorp).

NM_015160.3(PMPCA):c.1130C>T (p.Ala377Val)

Gene: PMPCA (peptidase, mitochondrial processing subunit alpha; plus strand). Cytogenetic location: 9q34.3.
Variant type: single nucleotide variant.
Coding change: c.1130C>T on transcript NM_015160.3 (MANE Select); coding-DNA position 1130, C replaced by T.
Protein change: p.Ala377Val; replaces alanine 377 with valine.
Molecular consequence: missense variant.
Genome position (GRCh38, 1-based): chr9:136,418,848, C>T. VCF-style: chr9-136418848-C-T. GRCh37 (hg19) VCF-style: chr9-139313300-C-T.
Other names: c.737C>T, p.Ala246Val (NM_001282944.2); c.830C>T, p.Ala277Val (NM_001282946.2); c.1130C>T (NM_015160.2); short protein forms A377V, A277V, A246V.
Identifiers: ClinVar variation 521567 (VCV000521567.9), dbSNP rs963172852, ClinGen allele CA201626321.